The following is an entry in ClinVar:

NM_003480.4(MFAP5):c.-2-1G>A

Gene: MFAP5 (microfibril associated protein 5; minus strand). Cytogenetic location: 12p13.31.
Variant type: single nucleotide variant.
Coding change: c.-2-1G>A on transcript NM_003480.4 (MANE Select); the canonical splice acceptor site of the intron before 2 bases upstream of the start codon, G replaced by A.
Molecular consequence: splice acceptor variant.
Genome position (GRCh38, 1-based): chr12:8,662,107, C>T on the plus strand (G>A on the coding strand, the complement: MFAP5 is on the minus strand). VCF-style: chr12-8662107-C-T. GRCh37 (hg19) VCF-style: chr12-8814703-C-T.
Other names: c.-2-1G>A (NM_001297710.2, NM_001297711.2, NM_001297712.2 and 1 more transcripts).
Identifiers: ClinVar variation 1787609 (VCV001787609.2), dbSNP rs2540314622, ClinGen allele CA2580086313.
Genomic context (GRCh38, chr12:8,662,107, plus strand): 5'-CAGAGGTGATGATGAATGCAGCAAGAAACAGCAGCACCTTGGGTCCCAAGAGCGACATAT[C>T]TATAGGGGTGGTGGGCATAGCAGAGAATGTGATGCTCAGAGGCACATCAGCATTTCAGTG-3'

ClinVar aggregate classification (germline): Uncertain significance (1 of 4 stars; one submission).

Conditions:
Cardiovascular phenotype. Identifiers: MedGen CN230736.

Submission:

Ambry Genetics
Classification: Uncertain significance for Cardiovascular phenotype. Last evaluated: 2020-09-10. Review status: criteria provided, single submitter. Criteria: Ambry Variant Classification Scheme 2023. Collection method: clinical testing. Allele origin: germline.
Comment: The c.-2-1G>A intronic variant is located in the 5' untranslated region (5&rsquo; UTR) of the MFAP5 gene. This intronic variant results from a G to A substitution one nucleotide upstream from the first translated codon. This nucleotide position is highly conserved in available vertebrate species. Since supporting evidence is limited at this time, the clinical significance of this alteration remains unclear.